The following is an entry in ClinVar:

ClinVar aggregate classification (germline): Conflicting classifications of pathogenicity. Review status: criteria provided, conflicting classifications (1 of 4 stars). 3 submissions from 3 submitters: Uncertain significance (2); Likely benign (1). Last evaluated 2026-05-15.

Conditions:
Hereditary cancer-predisposing syndrome. Also called: Neoplastic Syndromes, Hereditary; Tumor predisposition; Hereditary Cancer Syndrome; Hereditary neoplastic syndrome. Identifiers: Orphanet 140162, MedGen C0027672, MeSH D009386, MONDO:0015356.
POLE-related disorder. Also called: POLE-related disorders; POLE-related condition.

Allele frequency attached by ClinVar (database versions not stated): gnomAD exomes below 0.00001.
gnomAD v4.1: 2 of 1,614,076 alleles (0.00012%); highest among the groups gnomAD compares: Non-Finnish European, 0.00017%; no homozygotes.

Submissions (3):

PreventionGenetics, part of Exact Sciences
Classification: Uncertain significance for POLE-related condition. Last evaluated: 2026-05-15. Review status: criteria provided, single submitter. Criteria: ACMG Guidelines, 2015. Collection method: clinical testing. Allele origin: germline.
Comment: The POLE c.592G>A variant is predicted to result in the amino acid substitution p.Gly198Ser. To our knowledge, this variant has not been reported in the literature or in a large population database (gnomAD), indicating this variant is rare. This variant has an interpretation of uncertain significance and likely benign in ClinVar (Variation ID: 580289). At this time, the clinical significance of this variant is uncertain due to the absence of conclusive functional and genetic evidence.

Labcorp Genetics (formerly Invitae), Labcorp
Classification: Uncertain significance. Last evaluated: 2026-01-16. Review status: criteria provided, single submitter. Criteria: Invitae Variant Classification Sherloc (09022015). Collection method: clinical testing. Allele origin: germline.
Comment: This sequence change replaces glycine, which is neutral and non-polar, with serine, which is neutral and polar, at codon 198 of the POLE protein (p.Gly198Ser). This variant is not present in population databases (gnomAD no frequency). This variant has not been reported in the literature in individuals affected with POLE-related conditions. ClinVar contains an entry for this variant (Variation ID: 580289). An algorithm developed to predict the effect of missense changes on protein structure and function outputs the following: PolyPhen-2: "Benign". The serine amino acid residue is found in multiple mammalian species, which suggests that this missense change does not adversely affect protein function. In summary, the available evidence is currently insufficient to determine the role of this variant in disease. Therefore, it has been classified as a Variant of Uncertain Significance.

Ambry Genetics
Classification: Likely benign for Hereditary cancer-predisposing syndrome. Last evaluated: 2025-01-07. Review status: criteria provided, single submitter. Criteria: Ambry Variant Classification Scheme 2023. Collection method: clinical testing. Allele origin: germline.

NM_006231.4(POLE):c.592G>A (p.Gly198Ser)

Gene: POLE (DNA polymerase epsilon, catalytic subunit; minus strand). Cytogenetic location: 12q24.33.
Variant type: single nucleotide variant.
Coding change: c.592G>A on transcript NM_006231.4 (MANE Select); coding-DNA position 592, G replaced by A.
Protein change: p.Gly198Ser; replaces glycine 198 with serine.
Molecular consequence: missense variant.
Genome position (GRCh38, 1-based): chr12:132,677,706, C>T on the plus strand (G>A on the coding strand, the complement: POLE is on the minus strand). VCF-style: chr12-132677706-C-T. GRCh37 (hg19) VCF-style: chr12-133254292-C-T.
Other names: short protein forms G198S.
Identifiers: ClinVar variation 580289 (VCV000580289.11), dbSNP rs1565978171, ClinGen allele CA387365449.